The following is an entry in ClinVar:

NM_002618.4(PEX13):c.995A>G (p.Lys332Arg)

Gene: PEX13 (peroxisomal biogenesis factor 13; plus strand). Cytogenetic location: 2p15.
Variant type: single nucleotide variant.
Coding change: c.995A>G on transcript NM_002618.4 (MANE Select); coding-DNA position 995, A replaced by G.
Protein change: p.Lys332Arg; replaces lysine 332 with arginine.
Molecular consequence: missense variant.
Genome position (GRCh38, 1-based): chr2:61,048,553, A>G. VCF-style: chr2-61048553-A-G. GRCh37 (hg19) VCF-style: chr2-61275688-A-G.
Other names: c.995A>G (NM_002618.3); short protein forms K332R.
Identifiers: ClinVar variation 1446512 (VCV001446512.8), dbSNP rs1234870387, ClinGen allele CA346949747.
Genomic context (GRCh38, chr2:61,048,553, plus strand): 5'-GTTGGCTTCTGGCTAGCCTTGATGGCCAAACAACAGGACTTATACCTGCGAATTATGTCA[A>G]AATTCTTGGCAAAAGAAAAGGTAGGAAAACGGTGGAATCAAGTAAAGTTTCCAAGCAGCA-3'
Protein context (NP_002609.1, residues 322-342): TTGLIPANYV[Lys332Arg]ILGKRKGRKT

ClinVar aggregate classification (germline): Uncertain significance. Review status: criteria provided, multiple submitters, no conflicts (2 of 4 stars). 3 submissions from 3 submitters: Uncertain significance (2). 1 of the submissions does not count toward it. Last evaluated 2022-08-16.

Conditions:
Peroxisome biogenesis disorder 11A (Zellweger). Also called: Peroxisome biogenesis disorder 11A. Identifiers: Orphanet 912, MedGen C3554000, MONDO:0013949, OMIM 614883.
PEX13-related disorder. Also called: PEX13-related disorders; PEX13-related condition.
Inborn genetic diseases. Identifiers: MedGen C0950123, MeSH D030342.

Allele frequency attached by ClinVar (database versions not stated): TOPMed 0.00001.

Submissions (3):

Labcorp Genetics (formerly Invitae), Labcorp
Classification: Uncertain significance for Peroxisome biogenesis disorder 11A (Zellweger). Last evaluated: 2022-08-16. Review status: criteria provided, single submitter. Criteria: Invitae Variant Classification Sherloc (09022015). Collection method: clinical testing. Allele origin: germline.
Comment: This sequence change replaces lysine, which is basic and polar, with arginine, which is basic and polar, at codon 332 of the PEX13 protein (p.Lys332Arg). This variant is present in population databases (no rsID available, gnomAD 0.06%). This variant has not been reported in the literature in individuals affected with PEX13-related conditions. ClinVar contains an entry for this variant (Variation ID: 1446512). Algorithms developed to predict the effect of missense changes on protein structure and function output the following: SIFT: "Tolerated"; PolyPhen-2: "Benign"; Align-GVGD: "Class C0". The arginine amino acid residue is found in multiple mammalian species, which suggests that this missense change does not adversely affect protein function. Algorithms developed to predict the effect of sequence changes on RNA splicing suggest that this variant may create or strengthen a splice site. In summary, the available evidence is currently insufficient to determine the role of this variant in disease. Therefore, it has been classified as a Variant of Uncertain Significance.

Ambry Genetics
Classification: Uncertain significance for Inborn genetic diseases. Last evaluated: 2022-02-03. Review status: criteria provided, single submitter. Criteria: Ambry Variant Classification Scheme 2023. Collection method: clinical testing. Allele origin: germline.

PreventionGenetics, part of Exact Sciences
Classification: Uncertain significance for PEX13-related condition. Last evaluated: 2023-10-27. Review status: no assertion criteria provided. Collection method: clinical testing. Allele origin: germline. Not counted in ClinVar's aggregate classification.
Comment: The PEX13 c.995A>G variant is predicted to result in the amino acid substitution p.Lys332Arg. To our knowledge, this variant has not been reported in the literature or in a large population database, indicating this variant is rare. At this time, the clinical significance of this variant is uncertain due to the absence of conclusive functional and genetic evidence.